The following is an entry in ClinVar:

ClinVar aggregate classification (germline): Uncertain significance (1 of 4 stars; one submission).

Conditions:
Candidiasis, familial, 8 (CANDF8). Identifiers: Orphanet 1334, MedGen C3714992, MONDO:0014230, OMIM 615527.

Allele frequency attached by ClinVar (database versions not stated): TOPMed below 0.00001.

Submission:

Labcorp Genetics (formerly Invitae), Labcorp
Classification: Uncertain significance for Candidiasis, familial, 8. Last evaluated: 2021-11-13. Review status: criteria provided, single submitter. Criteria: Invitae Variant Classification Sherloc (09022015). Collection method: clinical testing. Allele origin: germline.
Comment: This sequence change replaces histidine, which is basic and polar, with tyrosine, which is neutral and polar, at codon 129 of the TRAF3IP2 protein (p.His129Tyr). This variant is not present in population databases (gnomAD no frequency). This variant has not been reported in the literature in individuals affected with TRAF3IP2-related conditions. Algorithms developed to predict the effect of missense changes on protein structure and function are either unavailable or do not agree on the potential impact of this missense change (SIFT: "Tolerated"; PolyPhen-2: "Possibly Damaging"; Align-GVGD: "Class C0"). In summary, the available evidence is currently insufficient to determine the role of this variant in disease. Therefore, it has been classified as a Variant of Uncertain Significance.

NM_147686.4(TRAF3IP2):c.385C>T (p.His129Tyr)

Genes: TRAF3IP2 (TRAF3 interacting protein 2; minus strand), TRAF3IP2-AS1 (TRAF3IP2 antisense RNA 1; plus strand), LOC114803478 (TRAF3IP2 eExon liver enhancer; plus strand). Cytogenetic location: 6q21.
Variant type: single nucleotide variant.
Coding change: c.385C>T on transcript NM_147686.4 (MANE Select); coding-DNA position 385, C replaced by T.
Protein change: p.His129Tyr; replaces histidine 129 with tyrosine.
Molecular consequence: missense variant.
Genome position (GRCh38, 1-based): chr6:111,591,702, G>A on the plus strand (C>T on the coding strand, the complement: TRAF3IP2 is on the minus strand). VCF-style: chr6-111591702-G-A. GRCh37 (hg19) VCF-style: chr6-111912905-G-A.
Other names: c.385C>T, p.His129Tyr (NM_001164281.3); c.412C>T, p.His138Tyr (NM_147200.3); short protein forms H129Y, H138Y.
Identifiers: ClinVar variation 1473379 (VCV001473379.6), dbSNP rs927235073, ClinGen allele CA145287942.